The following is an entry in ClinVar:

NM_024422.6(DSC2):c.354+1G>T

Gene: DSC2 (desmocollin 2; minus strand). Cytogenetic location: 18q12.1.
Variant type: single nucleotide variant.
Coding change: c.354+1G>T on transcript NM_024422.6 (MANE Select); the canonical splice donor site of the intron after coding-DNA position 354, G replaced by T.
Molecular consequence: splice donor variant.
Genome position (GRCh38, 1-based): chr18:31,092,100, C>A on the plus strand (G>T on the coding strand, the complement: DSC2 is on the minus strand). VCF-style: chr18-31092100-C-A. GRCh37 (hg19) VCF-style: chr18-28672063-C-A.
Other names: c.354+1G>T (NM_004949.5); c.-76+1G>T (NM_001406506.1, NM_001406507.1).
Identifiers: ClinVar variation 1182317 (VCV001182317.4), dbSNP rs764016208, ClinGen allele CA402114547.

ClinVar aggregate classification (germline): Likely pathogenic (1 of 4 stars; one submission).

gnomAD v4.1: 1 of 1,610,580 alleles (0.000062%); no homozygotes.

Submission:

GeneDx
Classification: Likely pathogenic. Last evaluated: 2024-08-07. Review status: criteria provided, single submitter. Criteria: GeneDx Variant Classification Process June 2021. Collection method: clinical testing. Allele origin: germline. Affected: yes.
Comment: Has not been previously published as pathogenic or benign to our knowledge; Not observed at significant frequency in large population cohorts (gnomAD); Canonical splice site variant predicted to result in a null allele in a gene for which loss of function is a known mechanism of disease